The following is an entry in ClinVar:

NM_001844.5(COL2A1):c.85+1G>A

Gene: COL2A1 (collagen type II alpha 1 chain; minus strand). Cytogenetic location: 12q13.11.
Variant type: single nucleotide variant.
Coding change: c.85+1G>A on transcript NM_001844.5 (MANE Select); the canonical splice donor site of the intron after coding-DNA position 85, G replaced by A.
Molecular consequence: splice donor variant.
Genome position (GRCh38, 1-based): chr12:48,004,236, C>T on the plus strand (G>A on the coding strand, the complement: COL2A1 is on the minus strand). VCF-style: chr12-48004236-C-T. GRCh37 (hg19) VCF-style: chr12-48398019-C-T.
Other names: c.85+1G>A (NM_033150.3, NM_001844.4).
Identifiers: ClinVar variation 1493942 (VCV001493942.9), dbSNP rs727503882, ClinGen allele CA384528131.
Genomic context (GRCh38, chr12:48,004,236, plus strand): 5'-AGAAGGATGCTGAGGGACGCATGGAAAGCAGGCAGGCAGGCAGGGGCGGGGGAAGACTTA[C>T]GGACATCCTGGCCCTGACACCGAAGGACAGCGGCGACGAGCAGCGTCAGCAGCACCAGCG-3'

ClinVar aggregate classification (germline): Pathogenic/Likely pathogenic. Review status: criteria provided, multiple submitters, no conflicts (2 of 4 stars). 2 submissions from 2 submitters: Pathogenic (1); Likely pathogenic (1). Last evaluated 2025-10-06.

Conditions:
COL2A1-related disorder. Also called: COL2A1-related condition; COL2A1-related disorders.

Submissions (2):

PreventionGenetics, part of Exact Sciences
Classification: Likely pathogenic for COL2A1-related condition. Last evaluated: 2025-10-06. Review status: criteria provided, single submitter. Criteria: ACMG Guidelines, 2015. Collection method: clinical testing. Allele origin: germline.
Comment: The COL2A1 c.85+1G>A variant is predicted to disrupt the GT donor site and interfere with normal splicing. This variant has been reported in an individual with skeletal dysplasia (Table S5, MacCarrick et al. 2024. PubMed ID: 38702915).  To our knowledge, this variant has not been reported in a large population database (gnomAD), indicating this variant is rare. Variants that disrupt the consensus splice donor site in COL2A1 are expected to be pathogenic. This variant is interpreted as likely pathogenic.

Labcorp Genetics (formerly Invitae), Labcorp
Classification: Pathogenic. Last evaluated: 2025-09-06. Review status: criteria provided, single submitter. Criteria: Invitae Variant Classification Sherloc (09022015). Collection method: clinical testing. Allele origin: germline.
Comment: This sequence change affects a donor splice site in intron 1 of the COL2A1 gene. It is expected to disrupt RNA splicing. Variants that disrupt the donor or acceptor splice site typically lead to a loss of protein function (PMID: 16199547), and loss-of-function variants in COL2A1 are known to be pathogenic (PMID: 20179744). This variant is not present in population databases (gnomAD no frequency). Disruption of this splice site has been observed in individuals with autosomal dominant Stickler syndrome (internal data). ClinVar contains an entry for this variant (Variation ID: 1493942). Algorithms developed to predict the effect of sequence changes on RNA splicing suggest that this variant may disrupt the consensus splice site. For these reasons, this variant has been classified as Pathogenic.

Literature cited by the submitters: PubMed 16199547 (cited by Labcorp Genetics (formerly Invitae), Labcorp); PubMed 20179744 (cited by Labcorp Genetics (formerly Invitae), Labcorp).